The following is an entry in ClinVar:

ClinVar aggregate classification (germline): other (0 of 4 stars; one submission).

Conditions:
Familial colorectal cancer. Identifiers: MedGen CN280943, MONDO:0023113. Disease mechanism: loss of function.

Submission:

Systems Biology Platform Zhejiang California International NanoSystems Institute
Classification: other for Familial colorectal cancer. Review status: no assertion criteria provided. Collection method: not provided. Allele origin: unknown.
ClinVar note: Converted during submission from cancer to other.

NM_000038.6(APC):c.1409-2343A>T

Gene: APC (APC regulator of WNT signaling pathway; plus strand). Cytogenetic location: 5q22.2.
Variant type: single nucleotide variant.
Coding change: c.1409-2343A>T on transcript NM_000038.6 (MANE Select); 2343 bases into the intron before coding-DNA position 1409, A replaced by T.
Molecular consequence: intron variant.
Genome position (GRCh38, 1-based): chr5:112,824,765, A>T. VCF-style: chr5-112824765-A-T. GRCh37 (hg19) VCF-style: chr5-112160462-A-T.
Other names: c.1409-2343A>T (NM_001354895.2, NM_001127510.3); c.1439-2343A>T (NM_001354897.2); c.1136-2343A>T (NM_001354902.2); c.1355-2343A>T (NM_001127511.3); c.1334-2343A>T (NM_001354898.2); c.1031-2343A>T (NM_001354904.2); c.560-2343A>T (NM_001354906.2); c.1462+1405A>T (NM_001354896.2); and 5 more.
Identifiers: ClinVar variation 83146 (VCV000083146.2), dbSNP rs75821202, ClinGen allele CA005048.